The following is an entry in ClinVar:

ClinVar aggregate classification (germline): Uncertain significance. Review status: criteria provided, multiple submitters, no conflicts (2 of 4 stars). 2 submissions from 2 submitters: Uncertain significance (2). Last evaluated 2025-08-06.

Conditions:
CSMD1-related disorder. Also called: CSMD1-related condition.

Allele frequency attached by ClinVar (database versions not stated): TOPMed below 0.00001; gnomAD 0.00001.
gnomAD v4.1: 9 of 1,608,264 alleles (0.00056%); highest among the groups gnomAD compares: Non-Finnish European, 0.00068%; no homozygotes.

Submissions (2):

Ambry Genetics
Classification: Uncertain significance. Last evaluated: 2025-08-06. Review status: criteria provided, single submitter. Criteria: Ambry Variant Classification Scheme 2023. Collection method: clinical testing. Allele origin: germline.

PreventionGenetics, part of Exact Sciences
Classification: Uncertain significance for CSMD1-related condition. Last evaluated: 2022-10-31. Review status: criteria provided, single submitter. Criteria: ACMG Guidelines, 2015. Collection method: clinical testing. Allele origin: germline.
Comment: The CSMD1 c.923A>T variant is predicted to result in the amino acid substitution p.Gln308Leu. To our knowledge, this variant has not been reported in the literature. This variant is reported in 0.00089% of alleles in individuals of European (Non-Finnish) descent in gnomAD. At this time, the clinical significance of this variant is uncertain due to the absence of conclusive functional and genetic evidence.

NM_033225.6(CSMD1):c.923A>T (p.Gln308Leu)

Gene: CSMD1 (CUB and Sushi multiple domains 1; minus strand). Cytogenetic location: 8p23.2.
Variant type: single nucleotide variant.
Coding change: c.923A>T on transcript NM_033225.6 (MANE Select); coding-DNA position 923, A replaced by T.
Protein change: p.Gln308Leu; replaces glutamine 308 with leucine.
Molecular consequence: missense variant.
Genome position (GRCh38, 1-based): chr8:3,753,938, T>A on the plus strand (A>T on the coding strand, the complement: CSMD1 is on the minus strand). VCF-style: chr8-3753938-T-A. GRCh37 (hg19) VCF-style: chr8-3611460-T-A.
Other names: short protein forms Q308L.
Identifiers: ClinVar variation 2628442 (VCV002628442.2), dbSNP rs1465721830, ClinGen allele CA370211718.